The following is an entry in ClinVar:

NM_001080456.5(ZSCAN5B):c.972A>G (p.Pro324=)

Gene: ZSCAN5B (zinc finger and SCAN domain containing 5B; minus strand). Cytogenetic location: 19q13.43.
Variant type: single nucleotide variant.
Coding change: c.972A>G on transcript NM_001080456.5 (MANE Select); coding-DNA position 972, A replaced by G.
Protein change: p.Pro324=; no amino-acid change (proline 324 retained).
Molecular consequence: synonymous variant.
Genome position (GRCh38, 1-based): chr19:56,190,343, T>C on the plus strand (A>G on the coding strand, the complement: ZSCAN5B is on the minus strand). VCF-style: chr19-56190343-T-C. GRCh37 (hg19) VCF-style: chr19-56701712-T-C.
Other names: c.972A>G, p.Pro324= (NM_001385638.1).
Identifiers: ClinVar variation 2650554 (VCV002650554.24), dbSNP rs372588974, ClinGen allele CA9687270.

ClinVar aggregate classification (germline): Likely benign (1 of 4 stars; one submission).

Allele frequency attached by ClinVar (database versions not stated): gnomAD exomes 0.00006; ExAC 0.00009; ESP Exome Variant Server 0.00023; 1000 Genomes Project 30x 0.00203; 1000 Genomes Project 0.00379.

Submission:

CeGaT Center for Human Genetics Tuebingen
Classification: Likely benign. Last evaluated: 2023-11-01. Review status: criteria provided, single submitter. Criteria: CeGaT Center For Human Genetics Tuebingen Variant Classification Criteria Version 2. Collection method: clinical testing. Allele origin: germline. Affected: yes. Observed: 1 variant allele.
Comment: ZSCAN5B: BP4, BP7